The following is an entry in ClinVar:

ClinVar aggregate classification (germline): Likely pathogenic (1 of 4 stars; one submission).

Conditions:
Cardiovascular phenotype. Identifiers: MedGen CN230736.

Submission:

Molecular Diagnostic Laboratory for Inherited Cardiovascular Disease, Montreal Heart Institute
Classification: Likely pathogenic for Cardiovascular phenotype. Last evaluated: 2026-06-03. Review status: criteria provided, single submitter. Criteria: ACMG Guidelines, 2015. Collection method: clinical testing. Allele origin: germline. Affected: yes.
Comment: PVS1_strong, PM2

NM_002230.4(JUP):c.468+5del

Gene: JUP (junction plakoglobin; minus strand). Cytogenetic location: 17q21.2.
Variant type: Deletion.
Coding change: c.468+5del on transcript NM_002230.4 (MANE Select); 5 bases into the intron after coding-DNA position 468, one base deleted (G; older notation c.468+5delG).
Molecular consequence: intron variant.
Genome position (GRCh38, 1-based): chr17:41,769,413, C deleted on the plus strand (G on the coding strand, the reverse complement: JUP is on the minus strand). VCF-style (leftmost placement, unchanged base first): chr17-41769412-AC-A. GRCh37 (hg19) VCF-style: chr17-39925664-AC-A.
Other names: c.468+5del (NM_001352774.2, NM_021991.4, NM_001352776.2 and 3 more transcripts).
Identifiers: ClinVar variation 5037898 (VCV005037898.1).